The following is an entry in ClinVar:

ClinVar aggregate classification (germline): Uncertain significance (1 of 4 stars; one submission).

Conditions:
Myofibrillar myopathy 5. Also called: Filaminopathy (type); FILAMINOPATHY, AUTOSOMAL DOMINANT. Identifiers: Orphanet 171445, MedGen C1836050, MONDO:0012289, OMIM 609524.
Distal myopathy with posterior leg and anterior hand involvement. Also called: WILLIAMS DISTAL MYOPATHY. Identifiers: Orphanet 63273, MedGen C3279722, MONDO:0013550, OMIM 614065.
Hypertrophic cardiomyopathy 26. Also called: Cardiomyopathy, familial hypertrophic, 26. Identifiers: Orphanet 75249, MedGen C4310749, MONDO:0014883, OMIM 617047.

Submission:

Labcorp Genetics (formerly Invitae), Labcorp
Classification: Uncertain significance for Distal myopathy with posterior leg and anterior hand involvement; Myofibrillar myopathy 5; Hypertrophic cardiomyopathy 26. Last evaluated: 2022-04-01. Review status: criteria provided, single submitter. Criteria: Invitae Variant Classification Sherloc (09022015). Collection method: clinical testing. Allele origin: germline.
Comment: This sequence change replaces glycine, which is neutral and non-polar, with arginine, which is basic and polar, at codon 2474 of the FLNC protein (p.Gly2474Arg). This variant is not present in population databases (gnomAD no frequency). This variant has not been reported in the literature in individuals affected with FLNC-related conditions. Algorithms developed to predict the effect of missense changes on protein structure and function are either unavailable or do not agree on the potential impact of this missense change (SIFT: "Deleterious"; PolyPhen-2: "Probably Damaging"; Align-GVGD: "Class C15"). In summary, the available evidence is currently insufficient to determine the role of this variant in disease. Therefore, it has been classified as a Variant of Uncertain Significance.

NM_001458.5(FLNC):c.7420G>C (p.Gly2474Arg)

Genes: FLNC-AS1 (FLNC antisense RNA 1; minus strand), FLNC (filamin C; plus strand). Cytogenetic location: 7q32.1.
Variant type: single nucleotide variant.
Coding change: c.7420G>C on transcript NM_001458.5 (MANE Select); coding-DNA position 7420, G replaced by C.
Protein change: p.Gly2474Arg; replaces glycine 2474 with arginine.
Molecular consequence: missense variant.
Genome position (GRCh38, 1-based): chr7:128,856,780, G>C. VCF-style: chr7-128856780-G-C. GRCh37 (hg19) VCF-style: chr7-128496834-G-C.
Other names: c.7321G>C, p.Gly2441Arg (NM_001127487.2); short protein forms G2441R, G2474R.
Identifiers: ClinVar variation 2120701 (VCV002120701.4), dbSNP rs2536670240, ClinGen allele CA369217306.
Genomic context (GRCh38, chr7:128,856,780, plus strand): 5'-TAAGCCACCAACCCTTTATCCACAGACAAGCACACCATCCGCTTCATCCCCCACGAGAAT[G>C]GCGTCCACTCCATCGATGTCAAGTTCAACGGTGCCCACATCCCTGGAAGTCCCTTCAAGA-3'
Protein context (NP_001449.3, residues 2464-2484): HTIRFIPHEN[Gly2474Arg]VHSIDVKFNG